The following is an entry in ClinVar:

NM_006947.4(SRP72):c.1916G>T (p.Ser639Ile)

Gene: SRP72 (signal recognition particle 72; plus strand). Cytogenetic location: 4q12.
Variant type: single nucleotide variant.
Coding change: c.1916G>T on transcript NM_006947.4 (MANE Select); coding-DNA position 1916, G replaced by T.
Protein change: p.Ser639Ile; replaces serine 639 with isoleucine.
Molecular consequence: missense variant. On other transcripts: non-coding transcript variant (1).
Genome position (GRCh38, 1-based): chr4:56,501,761, G>T. VCF-style: chr4-56501761-G-T. GRCh37 (hg19) VCF-style: chr4-57367927-G-T.
Other names: c.1733G>T, p.Ser578Ile (NM_001267722.2); short protein forms S639I, S578I.
Identifiers: ClinVar variation 3962110 (VCV003962110.1).
Genomic context (GRCh38, chr4:56,501,761, plus strand): 5'-TGAGCAGCCCACCCACCTCCCCAAGACCTGGCAGTGCTGCAACAGTATCTGCCTCTACAA[G>T]TAACATCATACCCCCAAGACACCAGAAACCTGCAGGGGCTCCAGCAACAAAAAAGAAACA-3'
Protein context (NP_008878.3, residues 629-649): GSAATVSAST[Ser639Ile]NIIPPRHQKP

ClinVar aggregate classification (germline): Uncertain significance (1 of 4 stars; one submission).

Submission:

Ambry Genetics
Classification: Uncertain significance. Last evaluated: 2025-05-19. Review status: criteria provided, single submitter. Criteria: Ambry Variant Classification Scheme 2023. Collection method: clinical testing. Allele origin: germline.
Comment: The p.S639I variant (also known as c.1916G>T), located in coding exon 19 of the SRP72 gene, results from a G to T substitution at nucleotide position 1916. The serine at codon 639 is replaced by isoleucine, an amino acid with dissimilar properties. This amino acid position is conserved. In addition, the in silico prediction for this alteration is inconclusive. Based on the available evidence, the clinical significance of this variant remains unclear.